The following is an entry in ClinVar:

NM_031443.4(CCM2):c.151G>T (p.Glu51Ter)

Gene: CCM2 (CCM2 scaffold protein; plus strand). Cytogenetic location: 7p13.
Variant type: single nucleotide variant.
Coding change: c.151G>T on transcript NM_031443.4 (MANE Select); coding-DNA position 151, G replaced by T.
Protein change: p.Glu51Ter; replaces glutamic acid 51 with a stop codon.
Molecular consequence: nonsense. On other transcripts: non-coding transcript variant (1), intron variant (2).
Genome position (GRCh38, 1-based): chr7:45,038,373, G>T. VCF-style: chr7-45038373-G-T. GRCh37 (hg19) VCF-style: chr7-45077972-G-T.
Other names: c.214G>T, p.Glu72Ter (NM_001029835.2); c.151G>T, p.Glu51Ter (NM_001167935.2, NM_001363458.2); c.31-25545G>T (NM_001363459.2, NM_001167934.2); short protein forms E51*, E72*.
Identifiers: ClinVar variation 1076028 (VCV001076028.7), dbSNP rs2128729177, ClinGen allele CA367427184.

ClinVar aggregate classification (germline): Pathogenic (1 of 4 stars; one submission).

Conditions:
Cerebral cavernous malformation 2. Also called: Familial Cerebral Cavernous Malformation 2. Identifiers: Orphanet 221061, MedGen C1864041, MONDO:0011304, OMIM 603284.

Submission:

Labcorp Genetics (formerly Invitae), Labcorp
Classification: Pathogenic for Cerebral cavernous malformation 2. Last evaluated: 2025-12-12. Review status: criteria provided, single submitter. Criteria: Invitae Variant Classification Sherloc (09022015). Collection method: clinical testing. Allele origin: germline.
Comment: This sequence change creates a premature translational stop signal (p.Glu51*) in the CCM2 gene. It is expected to result in an absent or disrupted protein product. Loss-of-function variants in CCM2 are known to be pathogenic (PMID: 18300272, 24689081). This variant is not present in population databases (gnomAD no frequency). This variant has not been reported in the literature in individuals affected with CCM2-related conditions. ClinVar contains an entry for this variant (Variation ID: 1076028). For these reasons, this variant has been classified as Pathogenic.

Literature cited by the submitters: PubMed 18300272; PubMed 24689081.